The following is an entry in ClinVar:

NM_201384.3(PLEC):c.2475dup (p.Asp826Ter)

Gene: PLEC (plectin; minus strand). Cytogenetic location: 8q24.3.
Variant type: Duplication.
Coding change: c.2475dup on transcript NM_201384.3 (MANE Select); coding-DNA position 2475, one base duplicated (T; older notation c.2475dupT).
Protein change: p.Asp826Ter; replaces aspartic acid 826 with a stop codon.
Molecular consequence: nonsense. On other transcripts: frameshift variant (1).
Genome position (GRCh38, 1-based): chr8:143,930,281, A duplicated on the plus strand (T on the coding strand, the reverse complement: PLEC is on the minus strand). VCF-style (leftmost placement, unchanged base first): chr8-143930280-C-CA. GRCh37 (hg19) VCF-style: chr8-145004448-C-CA.
Other names: c.2556dup, p.Asp853Ter (NM_000445.5); c.2556dup, p.Asp853Terfs (NM_001410941.1); c.2433dup, p.Asp812Ter (NM_201378.4); c.2409dup, p.Asp804Ter (NM_201379.3); c.2886dup, p.Asp963Ter (NM_201380.4); c.2379dup, p.Asp794Ter (NM_201381.3); c.2475dup, p.Asp826Ter (NM_201382.4); c.2487dup, p.Asp830Ter (NM_201383.3); short protein forms D794*, D804*, D826*, D830*, D853*, D812*, D963*.
Identifiers: ClinVar variation 2031024 (VCV002031024.4), dbSNP rs2538583945, ClinGen allele CA2580078749.
Genomic context (GRCh38, chr8:143,930,280, plus strand): 5'-CGGAGCTGCTGAGCACCTTCCAGTGGGACGGCTGTGCAGGGCCCACCAGCTGGCACTCGT[C>CA]ACCCTTGTGCACAGTCACCTGGGACGGGCAGAGTCGGTGAGGACATGGCCACACCCTGCC-3'

ClinVar aggregate classification (germline): Pathogenic (1 of 4 stars; one submission).

Conditions:
Epidermolysis bullosa simplex, Ogna type (EBS5A). Also called: Pidermolysis bullosa simplex 5A, Ogna type; EPIDERMOLYSIS BULLOSA SIMPLEX 5A, OGNA TYPE. Identifiers: Orphanet 79401, MedGen C0432317, MONDO:0007555, OMIM 131950.
Epidermolysis bullosa simplex 5C, with pyloric atresia (EBS5C). Also called: PLEC-Related Epidermolysis Bullosa with Pyloric Atresia; Epidermolysis bullosa simplex with pyloric atresia; PLEC1-Related Epidermolysis Bullosa with Pyloric Atresia. Identifiers: Orphanet 158684, MedGen C2677349, MONDO:0012807, OMIM 612138.
Autosomal recessive limb-girdle muscular dystrophy type 2Q (LGMDR17). Also called: MUSCULAR DYSTROPHY, LIMB-GIRDLE, AUTOSOMAL RECESSIVE 17. Identifiers: Orphanet 254361, MedGen C3150989, MONDO:0013390, OMIM 613723.
Epidermolysis bullosa simplex 5B, with muscular dystrophy (EBS5B). Also called: Epidermolysis bullosa simplex with muscular dystrophy; EPIDERMOLYSIS BULLOSA SIMPLEX AND LIMB-GIRDLE MUSCULAR DYSTROPHY. Identifiers: Orphanet 257, MedGen C2931072, MONDO:0009181, OMIM 226670.
Epidermolysis bullosa simplex with nail dystrophy (EBS5D). Identifiers: MedGen C4225309, MONDO:0014661, OMIM 616487.

Submission:

Labcorp Genetics (formerly Invitae), Labcorp
Classification: Pathogenic for Autosomal recessive limb-girdle muscular dystrophy type 2Q; Epidermolysis bullosa simplex, Ogna type; Epidermolysis bullosa simplex with nail dystrophy; Epidermolysis bullosa simplex 5C, with pyloric atresia; Epidermolysis bullosa simplex 5B, with muscular dystrophy. Last evaluated: 2022-09-17. Review status: criteria provided, single submitter. Criteria: Invitae Variant Classification Sherloc (09022015). Collection method: clinical testing. Allele origin: germline.
Comment: This sequence change creates a premature translational stop signal (p.Asp853*) in the PLEC gene. It is expected to result in an absent or disrupted protein product. Loss-of-function variants in PLEC are known to be pathogenic (PMID: 20301336, 20447487, 21109228, 23289980, 28824526). This variant is not present in population databases (gnomAD no frequency). This variant has not been reported in the literature in individuals affected with PLEC-related conditions. For these reasons, this variant has been classified as Pathogenic.

Literature cited by the submitters: PubMed 20301336; PubMed 20447487; PubMed 21109228; PubMed 23289980; PubMed 28824526.